The following is an entry in ClinVar:

NM_000038.6(APC):c.60C>T (p.Asn20=)

Gene: APC (APC regulator of Wnt signaling pathway; plus strand). Cytogenetic location: 5q22.2.
Variant type: single nucleotide variant.
Coding change: c.60C>T on transcript NM_000038.6 (MANE Select); coding-DNA position 60, C replaced by T.
Protein change: p.Asn20=; no amino-acid change (asparagine 20 retained).
Molecular consequence: synonymous variant. On other transcripts: 5 prime UTR variant (1), intron variant (8).
Genome position (GRCh38, 1-based): chr5:112,754,950, C>T. VCF-style: chr5-112754950-C-T. GRCh37 (hg19) VCF-style: chr5-112090647-C-T.
Other names: c.60C>T, p.Asn20= (NM_001127510.3, NM_001354895.2, NM_001354896.2 and 2 more transcripts); c.-976C>T (NM_001354906.2); c.166-11376C>T (NM_001354897.2, NM_001354902.2, NM_001127511.3); c.61-11376C>T (NM_001354898.2, NM_001354904.2); c.-42-11376C>T (NM_001354900.2, NM_001354901.2, NM_001354905.2).
Identifiers: ClinVar variation 186670 (VCV000186670.24), dbSNP rs780155240, ClinGen allele CA010920.

ClinVar aggregate classification (germline): Conflicting classifications of pathogenicity. Review status: criteria provided, conflicting classifications (1 of 4 stars). 8 submissions from 8 submitters: Uncertain significance (1); Benign (1); Likely benign (6). Last evaluated 2026-01-28.

Conditions:
Classic or attenuated familial adenomatous polyposis. Identifiers: MedGen CN372698, MONDO:0021057.
Hereditary cancer-predisposing syndrome. Also called: Neoplastic Syndromes, Hereditary; Tumor predisposition; Hereditary Cancer Syndrome; Hereditary neoplastic syndrome. Identifiers: Orphanet 140162, MedGen C0027672, MeSH D009386, MONDO:0015356.
Familial adenomatous polyposis 1 (FAP1). Also called: FAMILIAL ADENOMATOUS POLYPOSIS 1, ATTENUATED; POLYPOSIS, ADENOMATOUS INTESTINAL. Identifiers: MedGen C2713442, MONDO:0021056, OMIM 175100. Disease mechanism: loss of function.

Allele frequency attached by ClinVar (database versions not stated): gnomAD exomes below 0.00001 and 0.00001; TOPMed 0.00003.
gnomAD v4.1: 15 of 1,613,728 alleles (0.00093%); highest among the groups gnomAD compares: Non-Finnish European, 0.0013%; no homozygotes.

Submissions (8):

Labcorp Genetics (formerly Invitae), Labcorp
Classification: Likely benign for Familial adenomatous polyposis 1. Last evaluated: 2026-01-28. Review status: criteria provided, single submitter. Criteria: Invitae Variant Classification Sherloc (09022015). Collection method: clinical testing. Allele origin: germline.

Quest Diagnostics Nichols Institute San Juan Capistrano
Classification: Uncertain significance. Last evaluated: 2024-10-09. Review status: criteria provided, single submitter. Criteria: Quest Diagnostics criteria. Collection method: clinical testing. Allele origin: unknown.
Comment: The APC c.60C>T (p.Asn20=) synonymous variant has not been reported in individuals with APC-related conditions in the published literature. The frequency of this variant in the general population, 0.000004 (1/251272 chromosomes (Genome Aggregation Database)), is uninformative in the assessment of its pathogenicity. Analysis of this variant using software algorithms for the prediction of the effect of nucleotide changes on splicing yielded predictions that this variant does not affect APC mRNA splicing. Based on the available information, we are unable to determine the clinical significance of this variant.

All of Us Research Program, National Institutes of Health
Classification: Likely benign for Classic or attenuated familial adenomatous polyposis. Last evaluated: 2024-05-30. Review status: criteria provided, single submitter. Criteria: ACMG Guidelines, 2015. Collection method: clinical testing. Allele origin: germline. Inheritance: Autosomal dominant inheritance. Observed: 4 variant alleles, 4 heterozygotes.
Comment: This study involves interpretation of variants in research participants for the purpose of population health screening. Participant phenotype was not available at the time of variant classification. Additional details can be found in publication PMID: 35346344, PMCID: PMC8962531

Myriad Genetics, Inc.
Classification: Benign for Familial adenomatous polyposis 1. Last evaluated: 2024-02-22. Review status: criteria provided, single submitter. Criteria: Myriad Autosomal Dominant, Autosomal Recessive and X-Linked Classification Criteria (2023). Collection method: clinical testing. Allele origin: unknown.
Comment: This variant is considered benign. This variant is a silent/synonymous amino acid change and it is not expected to impact splicing.

Women's Health and Genetics/Laboratory Corporation of America, LabCorp
Classification: Likely benign. Last evaluated: 2022-02-21. Review status: criteria provided, single submitter. Criteria: LabCorp Variant Classification Summary - May 2015. Collection method: clinical testing. Allele origin: germline.

GeneDx
Classification: Likely benign. Last evaluated: 2018-10-23. Review status: criteria provided, single submitter. Criteria: GeneDx Variant Classification Process June 2021. Collection method: clinical testing. Allele origin: germline. Affected: yes.

Color Diagnostics, LLC DBA Color Health
Classification: Likely benign for Hereditary cancer-predisposing syndrome. Last evaluated: 2016-06-16. Review status: criteria provided, single submitter. Criteria: ACMG Guidelines, 2015. Collection method: clinical testing. Allele origin: germline.

Ambry Genetics
Classification: Likely benign for Hereditary cancer-predisposing syndrome. Last evaluated: 2014-10-24. Review status: criteria provided, single submitter. Criteria: Ambry Variant Classification Scheme 2023. Collection method: clinical testing. Allele origin: germline.